The following is an entry in ClinVar:

ClinVar aggregate classification (germline): Pathogenic. Review status: criteria provided, multiple submitters, no conflicts (2 of 4 stars). 4 submissions from 4 submitters: Pathogenic (4). Last evaluated 2023-10-16.

Conditions:
Familial adenomatous polyposis 1 (FAP1). Also called: FAMILIAL ADENOMATOUS POLYPOSIS 1, ATTENUATED; POLYPOSIS, ADENOMATOUS INTESTINAL. Identifiers: MedGen C2713442, MONDO:0021056, OMIM 175100. Disease mechanism: loss of function.
Hereditary cancer-predisposing syndrome. Also called: Tumor predisposition; Hereditary Cancer Syndrome; Hereditary neoplastic syndrome; Neoplastic Syndromes, Hereditary. Identifiers: Orphanet 140162, MedGen C0027672, MeSH D009386, MONDO:0015356.

Allele frequency attached by ClinVar (database versions not stated): gnomAD exomes below 0.00001.
gnomAD v4.1: 1 of 1,614,160 alleles (0.000062%); highest among the groups gnomAD compares: East Asian, 0.0022%; no homozygotes.

Submissions (4):

Labcorp Genetics (formerly Invitae), Labcorp
Classification: Pathogenic for Familial adenomatous polyposis 1. Last evaluated: 2023-10-16. Review status: criteria provided, single submitter. Criteria: Invitae Variant Classification Sherloc (09022015). Collection method: clinical testing. Allele origin: germline.
Comment: This sequence change creates a premature translational stop signal (p.Trp699*) in the APC gene. While this is not anticipated to result in nonsense mediated decay, it is expected to disrupt the last 2145 amino acid(s) of the APC protein. This variant is not present in population databases (gnomAD no frequency). This premature translational stop signal has been observed in individual(s) with familial adenomatous polyposis (PMID: 8544194, 10083733). ClinVar contains an entry for this variant (Variation ID: 411387). This variant is expected to disrupt the EB1 and HDLG binding sites, which mediate interactions with the cytoskeleton (PMID: 15311282, 17293347). While functional studies have not been performed to directly test the effect on APC protein function, this suggests that disruption of the C-terminal portion of the protein is functionally important. A different truncation (p.Tyr2645Lysfs*14) that lies downstream of this variant has been determined to be pathogenic (PMID: 9824584, 1316610, 27081525, 8381579, 22135120, Invitae). This suggests that deletion of this region of the APC protein is causative of disease. For these reasons, this variant has been classified as Pathogenic.

Myriad Genetics, Inc.
Classification: Pathogenic for Familial adenomatous polyposis 1. Last evaluated: 2023-05-04. Review status: criteria provided, single submitter. Criteria: Myriad Autosomal Dominant, Autosomal Recessive and X-Linked Classification Criteria (2023). Collection method: clinical testing. Allele origin: unknown.
Comment: This variant is considered pathogenic. This variant creates a termination codon and is predicted to result in premature protein truncation.

Ambry Genetics
Classification: Pathogenic for Hereditary cancer-predisposing syndrome. Last evaluated: 2021-06-30. Review status: criteria provided, single submitter. Criteria: Ambry Variant Classification Scheme 2023. Collection method: clinical testing. Allele origin: germline.
Comment: The p.W699* pathogenic mutation (also known as c.2097G>A), located in coding exon 15 of the APC gene, results from a G to A substitution at nucleotide position 2097. This changes the amino acid from a tryptophan to a stop codon within coding exon 15. This alteration has been identified in multiple familial adenomatous polyposis families (Bunyan DJ et al. J. Med. Genet., 1995 Sep;32:728-31; Li J et al. Gut, 2020 07;69:1283-1293). In addition to the clinical data presented in the literature, this alteration is expected to result in loss of function by premature protein truncation. As such, this alteration is interpreted as a disease-causing mutation.

Quest Diagnostics Nichols Institute San Juan Capistrano
Classification: Pathogenic. Last evaluated: 2021-05-20. Review status: criteria provided, single submitter. Criteria: Quest Diagnostics criteria. Collection method: clinical testing. Allele origin: unknown.
Comment: This variant is expected to result in the loss of a functional protein. Found in at least one patient with expected phenotype for this gene. This variant has not been reported in large, multi-ethnic general populations.

Literature cited by the submitters: PubMed 8544194 (cited by 3 submitters); PubMed 10083733 (cited by Labcorp Genetics (formerly Invitae), Labcorp); PubMed 15311282 (cited by Labcorp Genetics (formerly Invitae), Labcorp); PubMed 17293347 (cited by Labcorp Genetics (formerly Invitae), Labcorp); PubMed 9824584 (cited by Labcorp Genetics (formerly Invitae), Labcorp); PubMed 1316610 (cited by Labcorp Genetics (formerly Invitae), Labcorp); PubMed 27081525 (cited by Labcorp Genetics (formerly Invitae), Labcorp); PubMed 8381579 (cited by Labcorp Genetics (formerly Invitae), Labcorp); PubMed 22135120 (cited by Labcorp Genetics (formerly Invitae), Labcorp); PubMed 31744909 (cited by Ambry Genetics and Quest Diagnostics Nichols Institute San Juan Capistrano).

NM_000038.6(APC):c.2097G>A (p.Trp699Ter)

Gene: APC (APC regulator of Wnt signaling pathway; plus strand). Cytogenetic location: 5q22.2.
Variant type: single nucleotide variant.
Coding change: c.2097G>A on transcript NM_000038.6 (MANE Select); coding-DNA position 2097, G replaced by A.
Protein change: p.Trp699Ter; replaces tryptophan 699 with a stop codon.
Molecular consequence: nonsense.
Genome position (GRCh38, 1-based): chr5:112,837,691, G>A. VCF-style: chr5-112837691-G-A. GRCh37 (hg19) VCF-style: chr5-112173388-G-A.
Other names: c.2097G>A, p.Trp699Ter (NM_001127510.3, NM_001354895.2); c.2043G>A, p.Trp681Ter (NM_001127511.3); c.2151G>A, p.Trp717Ter (NM_001354896.2); c.2127G>A, p.Trp709Ter (NM_001354897.2); c.2022G>A, p.Trp674Ter (NM_001354898.2); c.2013G>A, p.Trp671Ter (NM_001354899.2); c.1974G>A, p.Trp658Ter (NM_001354900.2); c.1920G>A, p.Trp640Ter (NM_001354901.2); and 5 more; short protein forms W681*, W699*, W416*, W671*, W717*, W539*, W598*, W608*.
Identifiers: ClinVar variation 411387 (VCV000411387.14), dbSNP rs1060503282, ClinGen allele CA16025910.
Genomic context (GRCh38, chr5:112,837,691, plus strand): 5'-TGCATGTGGAACTTTGTGGAATCTCTCAGCAAGAAATCCTAAAGACCAGGAAGCATTATG[G>A]GACATGGGGGCAGTTAGCATGCTCAAGAACCTCATTCATTCAAAGCACAAAATGATTGCT-3'